The following is an entry in ClinVar:

ClinVar aggregate classification (germline): Uncertain significance (1 of 4 stars; one submission).

gnomAD v4.1: 1 of 1,613,988 alleles (0.000062%); highest among the groups gnomAD compares: South Asian, 0.0011%; no homozygotes.

Submission:

Ambry Genetics
Classification: Uncertain significance. Last evaluated: 2026-06-11. Review status: criteria provided, single submitter. Criteria: Ambry Variant Classification Scheme 2023. Collection method: clinical testing. Allele origin: germline.
Comment: The p.C40R variant (also known as c.118T>C), located in coding exon 1 of the MLH3 gene, results from a T to C substitution at nucleotide position 118. The cysteine at codon 40 is replaced by arginine, an amino acid with highly dissimilar properties. This amino acid position is conserved. In addition, this alteration is predicted to be deleterious by in silico analysis. Based on the available evidence, the clinical significance of this variant remains unclear.

NM_001040108.2(MLH3):c.118T>C (p.Cys40Arg)

Gene: MLH3 (mutL homolog 3; minus strand). Cytogenetic location: 14q24.3.
Variant type: single nucleotide variant.
Coding change: c.118T>C on transcript NM_001040108.2 (MANE Select); coding-DNA position 118, T replaced by C.
Protein change: p.Cys40Arg; replaces cysteine 40 with arginine.
Molecular consequence: missense variant.
Genome position (GRCh38, 1-based): chr14:75,049,538, A>G on the plus strand (T>C on the coding strand, the complement: MLH3 is on the minus strand). VCF-style: chr14-75049538-A-G. GRCh37 (hg19) VCF-style: chr14-75516241-A-G.
Other names: c.118T>C, p.Cys40Arg (NM_014381.3); short protein forms C40R.
Identifiers: ClinVar variation 4860238 (VCV004860238.1).